The following is an entry in ClinVar:

NM_000428.3(LTBP2):c.4706G>A (p.Ser1569Asn)

Gene: LTBP2 (latent transforming growth factor beta binding protein 2; minus strand). Cytogenetic location: 14q24.3.
Variant type: single nucleotide variant.
Coding change: c.4706G>A on transcript NM_000428.3 (MANE Select); coding-DNA position 4706, G replaced by A.
Protein change: p.Ser1569Asn; replaces serine 1569 with asparagine.
Molecular consequence: missense variant.
Genome position (GRCh38, 1-based): chr14:74,503,483, C>T on the plus strand (G>A on the coding strand, the complement: LTBP2 is on the minus strand). VCF-style: chr14-74503483-C-T. GRCh37 (hg19) VCF-style: chr14-74970186-C-T.
Other names: short protein forms S1569N.
Identifiers: ClinVar variation 1988616 (VCV001988616.3), dbSNP rs373256384, ClinGen allele CA7268674.

ClinVar aggregate classification (germline): Uncertain significance (1 of 4 stars; one submission).

Allele frequency attached by ClinVar (database versions not stated): gnomAD 0.00001; gnomAD exomes 0.00002; TOPMed 0.00002; ExAC 0.00003; ESP Exome Variant Server 0.00008.
gnomAD v4.1: 40 of 1,611,818 alleles (0.0025%); highest among the groups gnomAD compares: Non-Finnish European, 0.003%; no homozygotes.

Submission:

Labcorp Genetics (formerly Invitae), Labcorp
Classification: Uncertain significance. Last evaluated: 2024-11-11. Review status: criteria provided, single submitter. Criteria: Invitae Variant Classification Sherloc (09022015). Collection method: clinical testing. Allele origin: germline.
Comment: This sequence change replaces serine, which is neutral and polar, with asparagine, which is neutral and polar, at codon 1569 of the LTBP2 protein (p.Ser1569Asn). This variant is present in population databases (rs373256384, gnomAD 0.003%). This variant has not been reported in the literature in individuals affected with LTBP2-related conditions. ClinVar contains an entry for this variant (Variation ID: 1988616). An algorithm developed to predict the effect of missense changes on protein structure and function (PolyPhen-2) suggests that this variant is likely to be tolerated. In summary, the available evidence is currently insufficient to determine the role of this variant in disease. Therefore, it has been classified as a Variant of Uncertain Significance.